The following is an entry in ClinVar:

ClinVar aggregate classification (germline): Uncertain significance. Review status: criteria provided, multiple submitters, no conflicts (2 of 4 stars). 5 submissions from 5 submitters: Uncertain significance (5). Last evaluated 2025-12-10.

Conditions:
Hereditary cancer-predisposing syndrome. Also called: Neoplastic Syndromes, Hereditary; Tumor predisposition; Hereditary neoplastic syndrome; Hereditary Cancer Syndrome. Identifiers: Orphanet 140162, MedGen C0027672, MeSH D009386, MONDO:0015356.
Familial adenomatous polyposis 1 (FAP1). Also called: FAMILIAL ADENOMATOUS POLYPOSIS 1, ATTENUATED; POLYPOSIS, ADENOMATOUS INTESTINAL. Identifiers: MedGen C2713442, MONDO:0021056, OMIM 175100. Disease mechanism: loss of function.

Allele frequency attached by ClinVar (database versions not stated): gnomAD exomes below 0.00001.
gnomAD v4.1: 1 of 1,614,162 alleles (0.000062%); highest among the groups gnomAD compares: Non-Finnish European, 0.000085%; no homozygotes.

Submissions (5):

Dasa
Classification: Uncertain significance. Last evaluated: 2025-12-10. Review status: criteria provided, single submitter. Criteria: DASA Assertion Criteria. Collection method: clinical testing. Allele origin: germline.
Comment: NM_000038.6(APC):c.3614G>A (p.Ser1205Asn) is a missense variant that results in the substitution of serine with asparagine. This variant is rare in population databases. The currently available literature and clinical evidence are not sufficient to establish a definitive association between this variant and the reported condition. Therefore, this variant is classified as a variant of uncertain significance.

Ambry Genetics
Classification: Uncertain significance for Hereditary cancer-predisposing syndrome. Last evaluated: 2025-04-21. Review status: criteria provided, single submitter. Criteria: Ambry Variant Classification Scheme 2023. Collection method: clinical testing. Allele origin: germline.
Comment: The p.S1205N variant (also known as c.3614G>A), located in coding exon 15 of the APC gene, results from a G to A substitution at nucleotide position 3614. The serine at codon 1205 is replaced by asparagine, an amino acid with highly similar properties. This amino acid position is well conserved in available vertebrate species. In addition, in silico predictors for this gene do not accurately predict pathogenicity. Since supporting evidence is limited at this time, the clinical significance of this alteration remains unclear.

Labcorp Genetics (formerly Invitae), Labcorp
Classification: Uncertain significance for Familial adenomatous polyposis 1. Last evaluated: 2024-07-29. Review status: criteria provided, single submitter. Criteria: Invitae Variant Classification Sherloc (09022015). Collection method: clinical testing. Allele origin: germline.
Comment: This sequence change replaces serine, which is neutral and polar, with asparagine, which is neutral and polar, at codon 1205 of the APC protein (p.Ser1205Asn). This variant is present in population databases (no rsID available, gnomAD 0.0009%). This variant has not been reported in the literature in individuals affected with APC-related conditions. ClinVar contains an entry for this variant (Variation ID: 482270). Advanced modeling of protein sequence and biophysical properties (such as structural, functional, and spatial information, amino acid conservation, physicochemical variation, residue mobility, and thermodynamic stability) performed at Invitae indicates that this missense variant is not expected to disrupt APC protein function with a negative predictive value of 95%. In summary, the available evidence is currently insufficient to determine the role of this variant in disease. Therefore, it has been classified as a Variant of Uncertain Significance.

Color Diagnostics, LLC DBA Color Health
Classification: Uncertain significance for Hereditary cancer-predisposing syndrome. Last evaluated: 2024-03-06. Review status: criteria provided, single submitter. Criteria: ACMG Guidelines, 2015. Collection method: clinical testing. Allele origin: germline.
Comment: This missense variant replaces serine with asparagine at codon 1205 of the APC protein. Computational prediction suggests that this variant may not impact protein structure and function (internally defined REVEL score threshold <= 0.5, PMID: 27666373). To our knowledge, functional studies have not been reported for this variant. This variant has not been reported in individuals affected with APC-related disorders in the literature. This variant has been identified in 1/250648 chromosomes in the general population by the Genome Aggregation Database (gnomAD). The available evidence is insufficient to determine the role of this variant in disease conclusively. Therefore, this variant is classified as a Variant of Uncertain Significance.

Baylor Genetics
Classification: Uncertain significance for Familial adenomatous polyposis 1. Last evaluated: 2023-12-14. Review status: criteria provided, single submitter. Criteria: ACMG Guidelines, 2015. Collection method: clinical testing. Allele origin: unknown.

NM_000038.6(APC):c.3614G>A (p.Ser1205Asn)

Gene: APC (APC regulator of Wnt signaling pathway; plus strand). Cytogenetic location: 5q22.2.
Variant type: single nucleotide variant.
Coding change: c.3614G>A on transcript NM_000038.6 (MANE Select); coding-DNA position 3614, G replaced by A.
Protein change: p.Ser1205Asn; replaces serine 1205 with asparagine.
Molecular consequence: missense variant.
Genome position (GRCh38, 1-based): chr5:112,839,208, G>A. VCF-style: chr5-112839208-G-A. GRCh37 (hg19) VCF-style: chr5-112174905-G-A.
Other names: c.3614G>A, p.Ser1205Asn (NM_001127510.3, NM_001354895.2); c.3560G>A, p.Ser1187Asn (NM_001127511.3); c.3668G>A, p.Ser1223Asn (NM_001354896.2); c.3644G>A, p.Ser1215Asn (NM_001354897.2); c.3539G>A, p.Ser1180Asn (NM_001354898.2); c.3530G>A, p.Ser1177Asn (NM_001354899.2); c.3491G>A, p.Ser1164Asn (NM_001354900.2); c.3437G>A, p.Ser1146Asn (NM_001354901.2); and 5 more; short protein forms S1187N, S1205N, S1045N, S1164N, S1177N, S1079N, S1114N, S1146N.
Identifiers: ClinVar variation 482270 (VCV000482270.25), dbSNP rs1338663112, ClinGen allele CA16029268.